The following is an entry in ClinVar:

NM_002615.7(SERPINF1):c.557C>T (p.Ala186Val)

Gene: SERPINF1 (serpin family F member 1; plus strand). Cytogenetic location: 17p13.3.
Variant type: single nucleotide variant.
Coding change: c.557C>T on transcript NM_002615.7 (MANE Select); coding-DNA position 557, C replaced by T.
Protein change: p.Ala186Val; replaces alanine 186 with valine.
Molecular consequence: missense variant. On other transcripts: 5 prime UTR variant (2).
Genome position (GRCh38, 1-based): chr17:1,771,989, C>T. VCF-style: chr17-1771989-C-T. GRCh37 (hg19) VCF-style: chr17-1675283-C-T.
Other names: c.557C>T, p.Ala186Val (NM_001329903.2); c.-5C>T (NM_001329904.2, NM_001329905.2); short protein forms A186V.
Identifiers: ClinVar variation 2420088 (VCV002420088.4), dbSNP rs772682372, ClinGen allele CA8274736.

ClinVar aggregate classification (germline): Uncertain significance (1 of 4 stars; one submission).

Allele frequency attached by ClinVar (database versions not stated): gnomAD 0.00001; TOPMed 0.00003; ExAC 0.00005; gnomAD exomes 0.00006.
gnomAD v4.1: 91 of 1,613,670 alleles (0.0056%); highest among the groups gnomAD compares: Non-Finnish European, 0.0064%; no homozygotes.

Submission:

Labcorp Genetics (formerly Invitae), Labcorp
Classification: Uncertain significance. Last evaluated: 2022-05-08. Review status: criteria provided, single submitter. Criteria: Invitae Variant Classification Sherloc (09022015). Collection method: clinical testing. Allele origin: germline.
Comment: This sequence change replaces alanine, which is neutral and non-polar, with valine, which is neutral and non-polar, at codon 186 of the SERPINF1 protein (p.Ala186Val). This variant is present in population databases (rs772682372, gnomAD 0.02%). This variant has not been reported in the literature in individuals affected with SERPINF1-related conditions. Algorithms developed to predict the effect of missense changes on protein structure and function are either unavailable or do not agree on the potential impact of this missense change (SIFT: "Not Available"; PolyPhen-2: "Benign"; Align-GVGD: "Not Available"). In summary, the available evidence is currently insufficient to determine the role of this variant in disease. Therefore, it has been classified as a Variant of Uncertain Significance.